The following is an entry in ClinVar:

NM_000535.7(PMS2):c.2174+7G>T

Gene: PMS2 (PMS1 homolog 2, mismatch repair system component; minus strand). Cytogenetic location: 7p22.1.
Variant type: single nucleotide variant.
Coding change: c.2174+7G>T on transcript NM_000535.7 (MANE Select); 7 bases into the intron after coding-DNA position 2174, G replaced by T.
Molecular consequence: intron variant.
Genome position (GRCh38, 1-based): chr7:5,982,817, C>A on the plus strand (G>T on the coding strand, the complement: PMS2 is on the minus strand). VCF-style: chr7-5982817-C-A. GRCh37 (hg19) VCF-style: chr7-6022448-C-A.
Other names: c.1856+7G>T (NM_001322008.2, NM_001406883.1, NM_001322007.2 and 1 more transcripts); c.1865+7G>T (NM_001406881.1, NM_001406879.1, NM_001322015.2 and 5 more transcripts); c.1769+7G>T (NM_001406895.1, NM_001322004.2, NM_001406889.1 and 14 more transcripts); c.1403+7G>T (NM_001406911.1); c.1613+7G>T (NM_001322010.2, NM_001406906.1, NM_001406907.1); c.1700+7G>T (NM_001406902.1, NM_001406901.1); c.1661+7G>T (NM_001406904.1, NM_001406905.1); c.1601+7G>T (NM_001322013.2, NM_001406909.1); and 16 more.
Identifiers: ClinVar variation 3903617 (VCV003903617.1).

ClinVar aggregate classification (germline): Likely benign (1 of 4 stars; one submission).

Conditions:
Lynch syndrome 4 (LYNCH4). Also called: Colorectal cancer, hereditary nonpolyposis, type 4; Hereditary non-polyposis colorectal cancer, type 4. Identifiers: Orphanet 144, MedGen C1838333, MONDO:0013699, OMIM 614337. Disease mechanism: loss of function.

Submission:

Myriad Genetics, Inc.
Classification: Likely benign for Lynch syndrome 4. Last evaluated: 2025-02-03. Review status: criteria provided, single submitter. Criteria: Myriad Autosomal Dominant, Autosomal Recessive and X-Linked Classification Criteria (2023). Collection method: clinical testing. Allele origin: unknown.
Comment: This variant is considered likely benign. This variant is intronic and is not expected to impact mRNA splicing.